The following is an entry in ClinVar:

ClinVar aggregate classification (germline): Pathogenic (1 of 4 stars; one submission).

Conditions:
Danon disease. Also called: PSEUDOGLYCOGENOSIS II; GSD IIb; LYSOSOMAL GLYCOGEN STORAGE DISEASE WITHOUT ACID MALTASE DEFICIENCY; ANTOPOL DISEASE; Glycogen Storage Disease Type IIb. Identifiers: Orphanet 34587, MedGen C0878677, MONDO:0010281, OMIM 300257.

Submission:

Labcorp Genetics (formerly Invitae), Labcorp
Classification: Pathogenic for Danon disease. Last evaluated: 2025-03-27. Review status: criteria provided, single submitter. Criteria: Invitae Variant Classification Sherloc (09022015). Collection method: clinical testing. Allele origin: germline.
Comment: This sequence change creates a premature translational stop signal (p.Leu325Trpfs*21) in the LAMP2 gene. It is expected to result in an absent or disrupted protein product. Loss-of-function variants in LAMP2 are known to be pathogenic (PMID: 21415759). This variant is not present in population databases (gnomAD no frequency). This premature translational stop signal has been observed in individual(s) with Danon disease (PMID: 25900304, 33505424). For these reasons, this variant has been classified as Pathogenic.

Literature cited by the submitters: PubMed 21415759; PubMed 25900304; PubMed 33505424.

NM_002294.3(LAMP2):c.973del (p.Leu325fs)

Gene: LAMP2 (lysosome associated membrane protein 2; minus strand). Cytogenetic location: Xq24.
Variant type: Deletion.
Coding change: c.973del on transcript NM_002294.3 (MANE Select); coding-DNA position 973, one base deleted (C; older notation c.973delC).
Protein change: p.Leu325fs; shifts the reading frame from leucine 325.
Molecular consequence: frameshift variant.
Genome position (GRCh38, 1-based): chrX:120,441,850, G deleted on the plus strand (C on the coding strand, the reverse complement: LAMP2 is on the minus strand); the first of 6 consecutive G bases (chrX:120,441,850-120,441,855); deleting any one gives the same sequence. VCF-style (leftmost placement, unchanged base first): chrX-120441849-AG-A. GRCh37 (hg19) VCF-style: chrX-119575704-AG-A.
Other names: c.973del, p.Leu325fs (NM_001122606.1, NM_013995.2); short protein forms L325fs.
Identifiers: ClinVar variation 3724419 (VCV003724419.2), dbSNP rs1556092459.